The following is an entry in ClinVar:

ClinVar aggregate classification (germline): Pathogenic/Likely pathogenic. Review status: criteria provided, multiple submitters, no conflicts (2 of 4 stars). 5 submissions from 5 submitters: Pathogenic (3); Likely pathogenic (2). Last evaluated 2025-12-10.

Conditions:
MYBPC3-related disorder. Also called: MYBPC3-related condition; MYBPC3-related disease; MYBPC3-related disorders.
Cardiovascular phenotype. Identifiers: MedGen CN230736.
Hypertrophic cardiomyopathy. Also called: HYPERTROPHIC MYOCARDIOPATHY. Identifiers: Orphanet 217569, MedGen C0007194, MeSH D002312, MONDO:0005045, HP:0001639.

Submissions (5):

Molecular Diagnostic Laboratory for Inherited Cardiovascular Disease, Montreal Heart Institute
Classification: Likely pathogenic for Cardiovascular phenotype. Last evaluated: 2025-12-10. Review status: criteria provided, single submitter. Criteria: ACMG Guidelines, 2015. Collection method: clinical testing. Allele origin: germline. Affected: yes.
Comment: PVS1, PM2

Blueprint Genetics
Classification: Likely pathogenic for MYBPC3-related disorders. Last evaluated: 2023-12-15. Review status: criteria provided, single submitter. Criteria: ACMG Guidelines, 2015. Collection method: clinical testing. Allele origin: germline. Affected: yes. Observed: 1 variant allele.

Ambry Genetics
Classification: Pathogenic for Cardiovascular phenotype. Last evaluated: 2022-10-28. Review status: criteria provided, single submitter. Criteria: Ambry Variant Classification Scheme 2023. Collection method: clinical testing. Allele origin: germline.
Comment: The p.Q1185* pathogenic mutation (also known as c.3553C>T), located in coding exon 32 of the MYBPC3 gene, results from a C to T substitution at nucleotide position 3553. This changes the amino acid from a glutamine to a stop codon within coding exon 32. This variant is considered to be rare based on population cohorts in the Genome Aggregation Database (gnomAD). This alteration is expected to result in loss of function by premature protein truncation or nonsense-mediated mRNA decay. As such, this alteration is interpreted as a disease-causing mutation.

Labcorp Genetics (formerly Invitae), Labcorp
Classification: Pathogenic for Hypertrophic cardiomyopathy. Last evaluated: 2021-12-27. Review status: criteria provided, single submitter. Criteria: Invitae Variant Classification Sherloc (09022015). Collection method: clinical testing. Allele origin: germline.
Comment: For these reasons, this variant has been classified as Pathogenic. ClinVar contains an entry for this variant (Variation ID: 181133). This variant has not been reported in the literature in individuals affected with MYBPC3-related conditions. This variant is not present in population databases (gnomAD no frequency). This sequence change creates a premature translational stop signal (p.Gln1185*) in the MYBPC3 gene. It is expected to result in an absent or disrupted protein product. Loss-of-function variants in MYBPC3 are known to be pathogenic (PMID: 19574547).

GeneDx
Classification: Pathogenic. Last evaluated: 2015-06-23. Review status: criteria provided, single submitter. Criteria: GeneDx Variant Classification (06012015). Collection method: clinical testing. Allele origin: germline. Affected: yes.
Comment: This mutation is denoted p.Gln1185Stop (Q1185X) at the protein level and c.3553 C>T at the cDNA level. Although the Gln1185Stop mutation in the MYBPC3 gene has not been reported previously as a disease-causing mutation, it is predicted to cause loss of normal protein function either through protein truncation or absence of protein product due to nonsense mediated mRNA decay. Other nonsense mutations in MYBPC3 (Gln1061Stop, Trp1098Stop, Cys1124Stop) have been reported in association with HCM. The variant is found in HCM panel(s).

Literature cited by the submitters: PubMed 19574547 (cited by Labcorp Genetics (formerly Invitae), Labcorp).

NM_000256.3(MYBPC3):c.3553C>T (p.Gln1185Ter)

Gene: MYBPC3 (myosin binding protein C3; minus strand). Cytogenetic location: 11p11.2.
Variant type: single nucleotide variant.
Coding change: c.3553C>T on transcript NM_000256.3 (MANE Select); coding-DNA position 3553, C replaced by T.
Protein change: p.Gln1185Ter; replaces glutamine 1185 with a stop codon.
Molecular consequence: nonsense.
Genome position (GRCh38, 1-based): chr11:47,332,640, G>A on the plus strand (C>T on the coding strand, the complement: MYBPC3 is on the minus strand). VCF-style: chr11-47332640-G-A. GRCh37 (hg19) VCF-style: chr11-47354191-G-A.
Other names: p.Q1185*:CAG>TAG; c.3553C>T, p.Gln1185Ter (LRG_386t1); short protein forms Q1185*.
Identifiers: ClinVar variation 181133 (VCV000181133.10), dbSNP rs730880699, ClinGen allele CA014331.
Genomic context (GRCh38, chr11:47,332,640, plus strand): 5'-GGACAGCACAGCAGAGCATAGCAGTGTAGCCCGCGATGACCGAGCGGTTCACCAGGGGCT[G>A]GGTGAAGCTTGGGGCCTCGGAGAAGTCCAGGGCCTTATAGTTGGGTGGCTCATAGGTGAT-3'